The following is an entry in ClinVar:

ClinVar aggregate classification (germline): Likely benign. Review status: criteria provided, multiple submitters, no conflicts (2 of 4 stars). 2 submissions from 2 submitters: Likely benign (2). Last evaluated 2023-10-27.

Submissions (2):

Labcorp Genetics (formerly Invitae), Labcorp
Classification: Likely benign. Last evaluated: 2023-10-27. Review status: criteria provided, single submitter. Criteria: Invitae Variant Classification Sherloc (09022015). Collection method: clinical testing. Allele origin: germline.

GeneDx
Classification: Likely benign. Last evaluated: 2016-08-02. Review status: criteria provided, single submitter. Criteria: GeneDx Variant Classification (06012015). Collection method: clinical testing. Allele origin: germline. Affected: yes.
Comment: This variant is considered likely benign or benign based on one or more of the following criteria: it is a conservative change, it occurs at a poorly conserved position in the protein, it is predicted to be benign by multiple in silico algorithms, and/or has population frequency not consistent with disease.

NM_014254.3(RXYLT1):c.326-12_326-10del

Gene: RXYLT1 (ribitol xylosyltransferase 1; plus strand). Cytogenetic location: 12q14.2.
Variant type: Microsatellite.
Coding change: c.326-12_326-10del on transcript NM_014254.3 (MANE Select); 12 bases into the intron before coding-DNA position 326 through 10 bases into the intron before coding-DNA position 326, 3 bases deleted (GTT; older notation c.326-12_326-10delGTT).
Molecular consequence: intron variant.
Genome position (GRCh38, 1-based): chr12:63,784,958-63,784,960, GTT deleted; deleting any 3 consecutive bases within chr12:63,784,953-63,784,960 gives the same sequence; the c. name uses the placement nearest the transcript's 3' end. VCF-style (leftmost placement, unchanged base first): chr12-63784952-TTTG-T. GRCh37 (hg19) VCF-style: chr12-64178732-TTTG-T.
Other names: c.326-12_326-10delGTT (NM_014254.2); c.-455-12_-455-10del (NM_001278237.2).
Identifiers: ClinVar variation 421692 (VCV000421692.4), dbSNP rs755536664, ClinGen allele CA6666074.
Genomic context (GRCh38, chr12:63,784,952, plus strand): 5'-GAACGTAAACTTGTCTCATGCACTAAAGTAGATGAGACAGTAAATTGTTTTGATTTTGTT[TTTG>T]TTGTTAATTACCAGGCTTGTATCTCTGGGAGCATATTTTTGAAGGCTTACTTGATCCCAG-3'